The following is an entry in ClinVar:

ClinVar aggregate classification (germline): Uncertain significance. Review status: criteria provided, multiple submitters, no conflicts (2 of 4 stars). 2 submissions from 2 submitters: Uncertain significance (2). Last evaluated 2024-04-24.

Conditions:
Generalized epilepsy-paroxysmal dyskinesia syndrome (PNKD3). Also called: Generalized epilepsy and paroxysmal dyskinesia; Paroxysmal nonkinesigenic dyskinesia, 3, with or without generalized epilepsy. Identifiers: Orphanet 79137, MedGen C5574945, MONDO:0012276, OMIM 609446.

Allele frequency attached by ClinVar (database versions not stated): gnomAD exomes below 0.00001.
gnomAD v4.1: 5 of 1,614,148 alleles (0.00031%); highest among the groups gnomAD compares: East Asian, 0.0022%; no homozygotes.

Submissions (2):

Labcorp Genetics (formerly Invitae), Labcorp
Classification: Uncertain significance for Generalized epilepsy-paroxysmal dyskinesia syndrome. Last evaluated: 2024-04-24. Review status: criteria provided, single submitter. Criteria: Invitae Variant Classification Sherloc (09022015). Collection method: clinical testing. Allele origin: germline.
Comment: This sequence change replaces arginine, which is basic and polar, with glutamine, which is neutral and polar, at codon 830 of the KCNMA1 protein (p.Arg830Gln). This variant is not present in population databases (gnomAD no frequency). This variant has not been reported in the literature in individuals affected with KCNMA1-related conditions. Advanced modeling of protein sequence and biophysical properties (such as structural, functional, and spatial information, amino acid conservation, physicochemical variation, residue mobility, and thermodynamic stability) has been performed at Invitae for this missense variant, however the output from this modeling did not meet the statistical confidence thresholds required to predict the impact of this variant on KCNMA1 protein function. In summary, the available evidence is currently insufficient to determine the role of this variant in disease. Therefore, it has been classified as a Variant of Uncertain Significance.

Revvity Omics, Revvity
Classification: Uncertain significance. Last evaluated: 2024-01-03. Review status: criteria provided, single submitter. Criteria: ACMG Guidelines, 2015. Collection method: clinical testing. Allele origin: germline.

NM_001161352.2(KCNMA1):c.2663G>A (p.Arg888Gln)

Genes: KCNMA1-AS1 (KCNMA1 antisense RNA 1; plus strand), KCNMA1 (potassium calcium-activated channel subfamily M alpha 1; minus strand). Cytogenetic location: 10q22.3.
Variant type: single nucleotide variant.
Coding change: c.2663G>A on transcript NM_001161352.2 (MANE Select); coding-DNA position 2663, G replaced by A.
Protein change: p.Arg888Gln; replaces arginine 888 with glutamine.
Molecular consequence: missense variant.
Genome position (GRCh38, 1-based): chr10:76,949,188, C>T on the plus strand (G>A on the coding strand, the complement: KCNMA1 is on the minus strand). VCF-style: chr10-76949188-C-T. GRCh37 (hg19) VCF-style: chr10-78708946-C-T.
Other names: c.2612G>A, p.Arg871Gln (NM_001161353.2); c.2501G>A, p.Arg834Gln (NM_001014797.3, NM_001322835.2, NM_001322837.2); c.2339G>A, p.Arg780Gln (NM_001271518.2); c.2498G>A, p.Arg833Gln (NM_001271519.2, NM_001322829.2, NM_001322836.2); c.2510G>A, p.Arg837Gln (NM_001322830.2); c.2489G>A, p.Arg830Gln (NM_001322832.2, NM_001410940.1, NM_002247.4); c.2036G>A, p.Arg679Gln (NM_001322838.2); short protein forms R679Q, R780Q, R830Q, R833Q, R834Q, R837Q, R871Q, R888Q.
Identifiers: ClinVar variation 2689290 (VCV002689290.4), dbSNP rs2152943036, ClinGen allele CA377406161.
Genomic context (GRCh38, chr10:76,949,188, plus strand): 5'-GACCTTGGACTTACAGGCAATATGGACACTTTGGGGAAGTTATGAAGCGTCTCCCATTCC[C>T]GCTTGAGGTACTCAATAGAGCCCACAAACACAATGTGCTTGAGCTCATGGTAATGAAAGT-3'
Protein context (NP_001154824.1, residues 878-898): VFVGSIEYLK[Arg888Gln]EWETLHNFPK